The following is an entry in ClinVar:

ClinVar aggregate classification (germline): Pathogenic. Review status: criteria provided, multiple submitters, no conflicts (2 of 4 stars). 3 submissions from 3 submitters: Pathogenic (2). 1 of the submissions does not count toward it. Last evaluated 2025-09-11.

Conditions:
KPTN-related disorder. Also called: KPTN-related condition. Identifiers: MedGen CN381532.
Macrocephaly-developmental delay syndrome (MRT41). Also called: INTELLECTUAL DEVELOPMENTAL DISORDER, AUTOSOMAL RECESSIVE 41. Identifiers: Orphanet 397612, MedGen C3810225, MONDO:0014289, OMIM 615637.

Allele frequency attached by ClinVar (database versions not stated): gnomAD exomes below 0.00001; gnomAD 0.00001.

Submissions (3):

PreventionGenetics, part of Exact Sciences
Classification: Pathogenic for KPTN-related condition. Last evaluated: 2025-09-11. Review status: criteria provided, single submitter. Criteria: ACMG Guidelines, 2015. Collection method: clinical testing. Allele origin: germline.
Comment: The KPTN c.665dupA variant is predicted to result in a frameshift and premature protein termination (p.Ser223Glufs*50). This variant has been reported in the homozygous state in two siblings with macrocephaly, moderate intellectual disability, and delayed speech development (Pajusalu et al. 2015. PubMed ID: 25847626). This variant is reported in 0.013% of alleles in individuals of European (Non-Finnish) descent in gnomAD. Frameshift variants in KPTN are expected to be pathogenic. This variant is interpreted as pathogenic.

Revvity Omics, Revvity
Classification: Pathogenic for Macrocephaly-developmental delay syndrome. Last evaluated: 2019-09-06. Review status: criteria provided, single submitter. Criteria: ACMG Guidelines, 2015. Collection method: clinical testing. Allele origin: germline.

OMIM
Classification: Pathogenic for INTELLECTUAL DEVELOPMENTAL DISORDER, AUTOSOMAL RECESSIVE 41. Last evaluated: 2022-04-06. Review status: no assertion criteria provided. Collection method: literature only. Allele origin: germline. Not counted in ClinVar's aggregate classification.

Literature cited by the submitters: PubMed 25847626 (cited by OMIM).

NM_007059.4(KPTN):c.665dup (p.Ser223fs)

Gene: KPTN (kaptin, actin binding protein; minus strand). Cytogenetic location: 19q13.32.
Variant type: Duplication.
Coding change: c.665dup on transcript NM_007059.4 (MANE Select); coding-DNA position 665, one base duplicated (A; older notation c.665dupA).
Protein change: p.Ser223fs; shifts the reading frame from serine 223.
Molecular consequence: frameshift variant. On other transcripts: non-coding transcript variant (1).
Genome position (GRCh38, 1-based): chr19:47,480,342, T duplicated on the plus strand (A on the coding strand, the reverse complement: KPTN is on the minus strand). VCF-style (leftmost placement, unchanged base first): chr19-47480341-C-CT. GRCh37 (hg19) VCF-style: chr19-47983598-C-CT.
Other names: c.665dupA (NM_007059.3); c.497dup, p.Ser167fs (NM_001291296.2); short protein forms S167fs, S223fs.
Identifiers: ClinVar variation 504486 (VCV000504486.7), dbSNP rs1295123083, ClinGen allele CA633432667.